The following is an entry in ClinVar:

NM_152564.5(VPS13B):c.11171_11174dup (p.Leu3726fs)

Gene: VPS13B (vacuolar protein sorting 13 homolog B; plus strand). Cytogenetic location: 8q22.2.
Variant type: Duplication.
Coding change: c.11171_11174dup on transcript NM_152564.5 (MANE Select); coding-DNA positions 11171 to 11174, 4 bases duplicated (AGGG; older notation c.11171_11174dupAGGG).
Protein change: p.Leu3726fs; shifts the reading frame from leucine 3726.
Molecular consequence: frameshift variant.
Genome position (GRCh38, 1-based): chr8:99,861,902-99,861,905, AGGG duplicated; duplicating any 4 consecutive bases within chr8:99,861,901-99,861,905 gives the same sequence; the c. name uses the placement nearest the transcript's 3' end. VCF-style (leftmost placement, unchanged base first): chr8-99861900-C-CGAGG. GRCh37 (hg19) VCF-style: chr8-100874128-C-CGAGG.
Other names: c.11246_11249dup, p.Leu3751fs (NM_017890.5); short protein forms L3726fs, L3751fs.
Identifiers: ClinVar variation 373116 (VCV000373116.3), dbSNP rs1057518228, ClinGen allele CA16042625.
Genomic context (GRCh38, chr8:99,861,900, plus strand): 5'-GGATGAGGAGCACTACAACCGGCAGGAGGAGTGGCGGCGGCAGCTCCCCGAGAGCCTGGG[C>CGAGG]GAGGGGCTTCGACAGGGCCTGTCCCGGCTGGGCATCAGCCTGCTTGGTAAGGGGCTGCGG-3'

ClinVar aggregate classification (germline): Pathogenic. Review status: criteria provided, multiple submitters, no conflicts (2 of 4 stars). 2 submissions from 2 submitters: Pathogenic (2). Last evaluated 2023-06-02.

Conditions:
Cohen syndrome (COH1). Also called: Cutis verticis gyrata, retinitis pigmentosa, and sensorineural deafness; PEPPER SYNDROME. Identifiers: Orphanet 193, MedGen C0265223, MONDO:0008999, OMIM 216550.

Submissions (2):

3billion
Classification: Pathogenic for Cohen syndrome. Last evaluated: 2023-06-02. Review status: criteria provided, single submitter. Criteria: ACMG Guidelines, 2015. Collection method: clinical testing. Allele origin: germline. Affected: yes.
Comment: The variant is not observed in the gnomAD v2.1.1 dataset. Predicted Consequence/Location: Frameshift: predicted to result in a loss or disruption of normal protein function through nonsense-mediated decay (NMD) or protein truncation. Multiple pathogenic variants are reported downstream of the variant. The variant has been reported to be associated with VPS13B related disorder (ClinVar ID: VCV000373116). Therefore, this variant is classified as Pathogenic according to the recommendation of ACMG/AMP guideline.

GeneDx
Classification: Pathogenic. Last evaluated: 2016-11-20. Review status: criteria provided, single submitter. Criteria: GeneDx Variant Classification (06012015). Collection method: clinical testing. Allele origin: germline. Affected: yes.
Comment: The c.11246_11249dupAGGG variant in the VPS13B gene has not been reported previously as a pathogenic variant nor as a benign variant, to our knowledge. The c.11246_11249dupAGGG variant causes a frameshift starting with codon Leucine 3751, changes this amino acid to a Glycine residue, and creates a premature Stop codon at position 22 of the new reading frame, denoted p.L3751GfsX22. This variant is predicted to cause loss of normal protein function either through protein truncation or nonsense-mediated mRNA decay. The c.11246_11249dupAGGG variant was not observed in approximately 6500 individuals of European and African American ancestry in the NHLBI Exome Sequencing Project, indicating it is not a common benign variant in these populations. We interpret c.11246_11249dupAGGG as a pathogenic variant.